The following is an entry in ClinVar:

NM_000179.3(MSH6):c.2738A>C (p.Asp913Ala)

Gene: MSH6 (mutS homolog 6; plus strand). Cytogenetic location: 2p16.3.
Variant type: single nucleotide variant.
Coding change: c.2738A>C on transcript NM_000179.3 (MANE Select); coding-DNA position 2738, A replaced by C.
Protein change: p.Asp913Ala; replaces aspartic acid 913 with alanine.
Molecular consequence: missense variant. On other transcripts: non-coding transcript variant (5), intron variant (2).
Genome position (GRCh38, 1-based): chr2:47,800,721, A>C. VCF-style: chr2-47800721-A-C. GRCh37 (hg19) VCF-style: chr2-48027860-A-C.
Other names: c.2348A>C, p.Asp783Ala (NM_001281492.2); c.1832A>C, p.Asp611Ala (NM_001281493.2, NM_001281494.2, NM_001406811.1 and 6 more transcripts); c.2834A>C, p.Asp945Ala (NM_001406795.1, NM_001406802.1); c.2738A>C, p.Asp913Ala (NM_001406796.1, NM_001406798.1, NM_001406800.1 and 2 more transcripts); c.2441A>C, p.Asp814Ala (NM_001406797.1, NM_001406801.1, NM_001406805.1 and 10 more transcripts); c.2213A>C, p.Asp738Ala (NM_001406799.1, NM_001406806.1, NM_001406807.1); c.2660A>C, p.Asp887Ala (NM_001406804.1); c.2744A>C, p.Asp915Ala (NM_001406813.1); and 4 more; short protein forms D228A, D611A, D738A, D783A, D814A, D857A, D887A, D913A.
Identifiers: ClinVar variation 2682022 (VCV002682022.1), dbSNP rs750404946, ClinGen allele CA346755391.
Genomic context (GRCh38, chr2:47,800,721, plus strand): 5'-TGCAGACAAAAAATCCTGAAGGTCGTTTTCCTGATTTGACTGTAGAATTGAACCGATGGG[A>C]TACAGCCTTTGACCATGAAAAGGCTCGAAAGACTGGACTTATTACTCCCAAAGCAGGCTT-3'
Protein context (NP_000170.1, residues 903-923): PDLTVELNRW[Asp913Ala]TAFDHEKARK

ClinVar aggregate classification (germline): Uncertain significance (1 of 4 stars; one submission).

Submission:

Quest Diagnostics Nichols Institute San Juan Capistrano
Classification: Uncertain significance. Last evaluated: 2023-02-08. Review status: criteria provided, single submitter. Criteria: Quest Diagnostics criteria. Collection method: clinical testing. Allele origin: unknown.
Comment: This variant has not been reported in MSH6-related conditions in the published literature. It also has not been reported in large, multi-ethnic general populations. Analysis of this variant using bioinformatics tools for the prediction of the effect of amino acid changes on protein structure and function yielded conflicting predictions that this variant is deleterious or benign. Based on the available information, we are unable to determine the clinical significance of this variant.